The following is an entry in ClinVar:

ClinVar aggregate classification (germline): Benign/Likely benign. Review status: criteria provided, multiple submitters, no conflicts (2 of 4 stars). 4 submissions from 4 submitters: Benign (1); Likely benign (3). Last evaluated 2025-10-08.

Conditions:
Mitochondrial complex I deficiency, nuclear type 6. Also called: Mitochondrial complex 1 deficiency, nuclear type 6. Identifiers: MedGen C4748759, MONDO:0032611, OMIM 618228.

Allele frequency attached by ClinVar (database versions not stated): gnomAD 0.00008 and 0.00009; TOPMed 0.00008; ESP Exome Variant Server 0.00023.
gnomAD v4.1: 166 of 1,612,752 alleles (0.01%); highest among the groups gnomAD compares: Non-Finnish European, 0.0014%; no homozygotes.

Submissions (4):

Labcorp Genetics (formerly Invitae), Labcorp
Classification: Benign. Last evaluated: 2025-10-08. Review status: criteria provided, single submitter. Criteria: Invitae Variant Classification Sherloc (09022015). Collection method: clinical testing. Allele origin: germline.

Mayo Clinic Laboratories, Mayo Clinic
Classification: Likely benign. Last evaluated: 2024-12-03. Review status: criteria provided, single submitter. Criteria: ACMG Guidelines, 2015. Collection method: clinical testing. Allele origin: germline. Observed: 1 variant allele.
Comment: BS1, BP4, BP7

Genome-Nilou Lab
Classification: Likely benign for Mitochondrial complex I deficiency, nuclear type 6. Last evaluated: 2023-04-11. Review status: criteria provided, single submitter. Criteria: ACMG Guidelines, 2015. Collection method: clinical testing. Allele origin: germline. Affected: no.

GeneDx
Classification: Likely benign. Last evaluated: 2020-12-16. Review status: criteria provided, single submitter. Criteria: GeneDx Variant Classification Process June 2021. Collection method: clinical testing. Allele origin: germline. Affected: yes.

NM_001377299.1(NDUFS2):c.39C>A (p.Val13=)

Genes: NDUFS2 (NADH:ubiquinone oxidoreductase core subunit S2; plus strand), LOC129931761 (ATAC-STARR-seq lymphoblastoid active region 1985; plus strand). Cytogenetic location: 1q23.3.
Variant type: single nucleotide variant.
Coding change: c.39C>A on transcript NM_001377299.1 (MANE Select); coding-DNA position 39, C replaced by A.
Protein change: p.Val13=; no amino-acid change (valine 13 retained).
Molecular consequence: synonymous variant. On other transcripts: non-coding transcript variant (1).
Genome position (GRCh38, 1-based): chr1:161,202,424, C>A. VCF-style: chr1-161202424-C-A. GRCh37 (hg19) VCF-style: chr1-161172214-C-A.
Other names: p.Val13=; c.39C>A, p.Val13= (NM_001166159.2, NM_001377298.1, NM_001377300.1 and 3 more transcripts).
Identifiers: ClinVar variation 516382 (VCV000516382.9), dbSNP rs139722814, ClinGen allele CA1208450.